The following is an entry in ClinVar:

NM_000059.4(BRCA2):c.6842-20T>A

Gene: BRCA2 (BRCA2 DNA repair associated; plus strand). Cytogenetic location: 13q13.1.
Variant type: single nucleotide variant.
Coding change: c.6842-20T>A on transcript NM_000059.4 (MANE Select); 20 bases into the intron before coding-DNA position 6842, T replaced by A.
Molecular consequence: intron variant.
Genome position (GRCh38, 1-based): chr13:32,344,538, T>A. VCF-style: chr13-32344538-T-A. GRCh37 (hg19) VCF-style: chr13-32918675-T-A.
Other names: IVS11-20T>A.
Identifiers: ClinVar variation 38069 (VCV000038069.30), dbSNP rs81002811, ClinGen allele CA024507.

ClinVar aggregate classification (germline): Benign. Review status: reviewed by expert panel (3 of 4 stars). 16 submissions from 16 submitters: Benign (1). 15 of the submissions do not count toward it. Last evaluated 2015-08-10.

Conditions:
BRCA2-related disorder. Also called: BRCA2-related condition; BRCA2-related disorders. Identifiers: MedGen CN239275.
Hereditary cancer-predisposing syndrome. Also called: Neoplastic Syndromes, Hereditary; Hereditary neoplastic syndrome; Tumor predisposition; Hereditary Cancer Syndrome. Identifiers: Orphanet 140162, MedGen C0027672, MeSH D009386, MONDO:0015356.
Hereditary breast ovarian cancer syndrome. Also called: Hereditary breast and/or ovarian cancer syndrome; Breast and ovarian cancer; BRCA1- and BRCA2-Associated Hereditary Breast and Ovarian Cancer; Hereditary breast and ovarian cancer; Hereditary breast and ovarian cancer syndrome; Hereditary breast and ovarian cancer syndrome (HBOC). Identifiers: Orphanet 145, MedGen C0677776, MeSH D061325, MONDO:0003582. Disease mechanism: loss of function.
Breast-ovarian cancer, familial, susceptibility to, 2 (BROVCA2). Also called: BRCA2 Hereditary Breast and Ovarian Cancer. Identifiers: Orphanet 145, MedGen C2675520, MONDO:0012933, OMIM 612555. Disease mechanism: loss of function.

Allele frequency attached by ClinVar (database versions not stated): ExAC 0.00010; gnomAD exomes 0.00024; gnomAD 0.00036 and 0.00040; TOPMed 0.00036.
gnomAD v4.1: 210 of 1,435,384 alleles (0.015%); highest among the groups gnomAD compares: Admixed American, 0.17%; 2 homozygotes.

Submissions (16):

Evidence-based Network for the Interpretation of Germline Mutant Alleles (ENIGMA)
Classification: Benign for Breast-ovarian cancer, familial 2. Last evaluated: 2015-08-10. Review status: reviewed by expert panel. Criteria: ENIGMA BRCA1/2 Classification Criteria (2015). Collection method: curation. Allele origin: germline.
Comment: IARC class based on posterior probability from multifactorial likelihood analysis, thresholds for class as per Plon et al. 2008 (PMID: 18951446). Class 1 based on posterior probability = 0.000273

Labcorp Genetics (formerly Invitae), Labcorp
Classification: Benign for Hereditary breast ovarian cancer syndrome. Last evaluated: 2026-01-31. Review status: criteria provided, single submitter. Criteria: Invitae Variant Classification Sherloc (09022015). Collection method: clinical testing. Allele origin: germline. Not counted in ClinVar's aggregate classification.

ARUP Laboratories, Molecular Genetics and Genomics, ARUP Laboratories
Classification: Benign. Last evaluated: 2025-07-07. Review status: criteria provided, single submitter. Criteria: ARUP Molecular Germline Variant Investigation Process 2024. Collection method: clinical testing. Allele origin: germline. Not counted in ClinVar's aggregate classification.

Hereditary Cancer Laboratory, Hospital Universitario 12 de Octubre
Classification: Likely benign for Hereditary cancer-predisposing syndrome. Last evaluated: 2024-08-21. Review status: criteria provided, single submitter. Criteria: ACMG Guidelines, 2015. Collection method: clinical testing. Allele origin: germline. Not counted in ClinVar's aggregate classification.
Comment: PM2+BP4+BP6+BP7

Blueprint Genetics
Classification: Likely benign. Last evaluated: 2021-04-13. Review status: criteria provided, single submitter. Criteria: ACMG Guidelines, 2015. Collection method: clinical testing. Allele origin: germline. Not counted in ClinVar's aggregate classification.

Women's Health and Genetics/Laboratory Corporation of America, LabCorp
Classification: Benign. Last evaluated: 2017-07-18. Review status: criteria provided, single submitter. Criteria: LabCorp Variant Classification Summary - May 2015. Collection method: clinical testing. Allele origin: germline. Not counted in ClinVar's aggregate classification.
Comment: Variant summary: The BRCA2 c.6842-20T>A variant involves the alteration of a non-conserved intronic nucleotide. Mutation taster predicts a benign outcome for this variant. 4/5 in silico prediction tools predict no significant effect on splicing. This predicted result is supported by one published RT-PCR functional study (Menendez_2012) that this variant does not affect normal splicing. This variant was found in 56/234842 control chromosomes, predominantly observed in the Latino subpopulation at a frequency of 0.001314 (42/31970, 2 homozygotes). This frequency is about 2 times the estimated maximal expected allele frequency of a pathogenic BRCA2 variant (0.0007503), suggesting this is likely a benign polymorphism found primarily in population(s) of Latino origin. In clinical databases (BIC and UMD), the variant of interest was reported to co-occur with other BRCA1 deleterious variants (BRCA1 c.3756_3759delGTCT, c.5030_5033delCTAA (p.Thr1677IlefsX2) and p.Arg1203X) and a BRCA2 deleterious variant, c.7795_7797delGAA (p.Glu2599del), strongly suggesting for a benign outcome. Multifactorial probability based models also predict this variant to be benign. In addition, multiple clinical diagnostic laboratories/reputable databases have classified this variant as benign/likely benign. Therefore, taking all lines of available evidence into consideration, the variant of interest is classified as "Benign.

Color Diagnostics, LLC DBA Color Health
Classification: Benign for Hereditary cancer-predisposing syndrome. Last evaluated: 2015-12-29. Review status: criteria provided, single submitter. Criteria: ACMG Guidelines, 2015. Collection method: clinical testing. Allele origin: germline. Not counted in ClinVar's aggregate classification.

Ambry Genetics
Classification: Benign for Hereditary cancer-predisposing syndrome. Last evaluated: 2014-11-19. Review status: criteria provided, single submitter. Criteria: Ambry Variant Classification Scheme 2023. Collection method: clinical testing. Allele origin: germline. Not counted in ClinVar's aggregate classification.

GeneDx
Classification: Benign. Last evaluated: 2014-08-20. Review status: criteria provided, single submitter. Criteria: GeneDx Variant Classification (06012015). Collection method: clinical testing. Allele origin: germline. Affected: yes. Not counted in ClinVar's aggregate classification.
Comment: This variant is considered likely benign or benign based on one or more of the following criteria: it is a conservative change, it occurs at a poorly conserved position in the protein, it is predicted to be benign by multiple in silico algorithms, and/or has population frequency not consistent with disease.

PreventionGenetics, part of Exact Sciences
Classification: Likely benign for BRCA2-related condition. Last evaluated: 2022-11-11. Review status: no assertion criteria provided. Collection method: clinical testing. Allele origin: germline. Not counted in ClinVar's aggregate classification.
Comment: This variant is classified as likely benign based on ACMG/AMP sequence variant interpretation guidelines (Richards et al. 2015 PMID: 25741868, with internal and published modifications).

Sharing Clinical Reports Project (SCRP)
Classification: Benign for Breast-ovarian cancer, familial 2. Last evaluated: 2008-11-01. Review status: no assertion criteria provided. Collection method: clinical testing. Allele origin: germline. Not counted in ClinVar's aggregate classification.

Breast Cancer Information Core (BIC) (BRCA2)
Classification: Uncertain significance for Breast-ovarian cancer, familial 2. Last evaluated: 2004-02-20. Review status: no assertion criteria provided. Collection method: clinical testing. Allele origin: germline. Affected: yes. Observed: 6 variant alleles. Not counted in ClinVar's aggregate classification.

Clinical Genetics DNA and cytogenetics Diagnostics Lab, Erasmus MC, Erasmus Medical Center
Classification: Benign. Review status: no assertion criteria provided. Collection method: clinical testing. Allele origin: germline. Affected: yes. Study: VKGL Data-share Consensus. Not counted in ClinVar's aggregate classification.

Clinical Genetics Laboratory, Department of Pathology, Netherlands Cancer Institute
Classification: Benign. Review status: no assertion criteria provided. Collection method: clinical testing. Allele origin: germline. Affected: yes. Study: VKGL Data-share Consensus. Not counted in ClinVar's aggregate classification.

Genome Diagnostics Laboratory, University Medical Center Utrecht
Classification: Benign. Review status: no assertion criteria provided. Collection method: clinical testing. Allele origin: germline. Affected: yes. Study: VKGL Data-share Consensus. Not counted in ClinVar's aggregate classification.

Joint Genome Diagnostic Labs from Nijmegen and Maastricht, Radboudumc and MUMC+
Classification: Benign. Review status: no assertion criteria provided. Collection method: clinical testing. Allele origin: germline. Affected: yes. Study: VKGL Data-share Consensus. Not counted in ClinVar's aggregate classification.

Literature cited by the submitters: PubMed 21990134 (cited by Evidence-based Network for the Interpretation of Germline Mutant Alleles (ENIGMA) and Women's Health and Genetics/Laboratory Corporation of America, LabCorp); PubMed 21120943 (cited by Women's Health and Genetics/Laboratory Corporation of America, LabCorp); PubMed 21735045 (cited by Women's Health and Genetics/Laboratory Corporation of America, LabCorp); PubMed 21523855 (cited by Women's Health and Genetics/Laboratory Corporation of America, LabCorp); PubMed 20614180 (cited by Women's Health and Genetics/Laboratory Corporation of America, LabCorp); PubMed 17924331 (cited by Women's Health and Genetics/Laboratory Corporation of America, LabCorp); PubMed 22476429 (cited by Women's Health and Genetics/Laboratory Corporation of America, LabCorp); PubMed 20167696 (cited by Women's Health and Genetics/Laboratory Corporation of America, LabCorp).